The following is an entry in ClinVar:

NM_014112.5(TRPS1):c.2975C>T (p.Pro992Leu)

Gene: TRPS1 (transcriptional repressor GATA binding 1; minus strand). Cytogenetic location: 8q23.3.
Variant type: single nucleotide variant.
Coding change: c.2975C>T on transcript NM_014112.5 (MANE Select); coding-DNA position 2975, C replaced by T.
Protein change: p.Pro992Leu; replaces proline 992 with leucine.
Molecular consequence: missense variant.
Genome position (GRCh38, 1-based): chr8:115,414,933, G>A on the plus strand (C>T on the coding strand, the complement: TRPS1 is on the minus strand). VCF-style: chr8-115414933-G-A. GRCh37 (hg19) VCF-style: chr8-116427161-G-A.
Other names: c.2948C>T, p.Pro983Leu (NM_001282902.3); c.2954C>T, p.Pro985Leu (NM_001282903.3); c.2936C>T, p.Pro979Leu (NM_001330599.2); c.2975C>T (NM_014112.2); short protein forms P979L, P985L, P983L, P992L.
Identifiers: ClinVar variation 2936652 (VCV002936652.4), dbSNP rs1423415894, ClinGen allele CA372063797.
Genomic context (GRCh38, chr8:115,414,933, plus strand): 5'-GGGAGTGGAATTTCTCTCTGGTGACTTTCAGTTAGATGATCTTCTGACCTCCTCTCTAAC[G>A]GGCTTCCATTGACTTGCTCCTCATTGCTGCCCCTCTGCTGTTTGTTGAGCTGCTCAGCCT-3'
Protein context (NP_054831.2, residues 982-1002): GSNEEQVNGS[Pro992Leu]LERRSEDHLT

ClinVar aggregate classification (germline): Uncertain significance. Review status: criteria provided, multiple submitters, no conflicts (2 of 4 stars). 2 submissions from 2 submitters: Uncertain significance (2). Last evaluated 2023-09-21.

Conditions:
Trichorhinophalangeal dysplasia type I (TRPS1). Also called: TRICHORHINOPHALANGEAL SYNDROME, TYPE I; TRPS I. Identifiers: Orphanet 77258, MedGen C0432233, MONDO:0008596, OMIM 190350.
Trichorhinophalangeal syndrome, type III (TRPS3). Also called: SUGIO-KAJII SYNDROME. Identifiers: Orphanet 77258, MedGen C1860823, OMIM 190351, MONDO:0008597.

Allele frequency attached by ClinVar (database versions not stated): gnomAD 0.00001.
gnomAD v4.1: 3 of 1,600,274 alleles (0.00019%); highest among the groups gnomAD compares: Admixed American, 0.0034%; no homozygotes.

Submissions (2):

Labcorp Genetics (formerly Invitae), Labcorp
Classification: Uncertain significance for Trichorhinophalangeal syndrome, type III; Trichorhinophalangeal dysplasia type I. Last evaluated: 2023-09-21. Review status: criteria provided, single submitter. Criteria: Invitae Variant Classification Sherloc (09022015). Collection method: clinical testing. Allele origin: germline.
Comment: In summary, the available evidence is currently insufficient to determine the role of this variant in disease. Therefore, it has been classified as a Variant of Uncertain Significance. Advanced modeling of protein sequence and biophysical properties (such as structural, functional, and spatial information, amino acid conservation, physicochemical variation, residue mobility, and thermodynamic stability) performed at Invitae indicates that this missense variant is not expected to disrupt TRPS1 protein function. This variant has not been reported in the literature in individuals affected with TRPS1-related conditions. This variant is not present in population databases (gnomAD no frequency). This sequence change replaces proline, which is neutral and non-polar, with leucine, which is neutral and non-polar, at codon 992 of the TRPS1 protein (p.Pro992Leu).

GeneDx
Classification: Uncertain significance. Last evaluated: 2023-06-21. Review status: criteria provided, single submitter. Criteria: GeneDx Variant Classification Process June 2021. Collection method: clinical testing. Allele origin: germline. Affected: yes.
Comment: Not observed at significant frequency in large population cohorts (gnomAD); In silico analysis supports that this missense variant has a deleterious effect on protein structure/function; Has not been previously published as pathogenic or benign to our knowledge